The following is an entry in ClinVar:

ClinVar aggregate classification (germline): Uncertain significance. Review status: criteria provided, multiple submitters, no conflicts (2 of 4 stars). 2 submissions from 2 submitters: Uncertain significance (2). Last evaluated 2025-02-22.

Conditions:
Inborn genetic diseases. Identifiers: MedGen C0950123, MeSH D030342.

Allele frequency attached by ClinVar (database versions not stated): gnomAD exomes below 0.00001; TOPMed below 0.00001.
gnomAD v4.1: 4 of 1,613,592 alleles (0.00025%); highest among the groups gnomAD compares: Non-Finnish European, 0.00025%; no homozygotes.

Submissions (2):

Ambry Genetics
Classification: Uncertain significance for Inborn genetic diseases. Last evaluated: 2025-02-22. Review status: criteria provided, single submitter. Criteria: Ambry Variant Classification Scheme 2023. Collection method: clinical testing. Allele origin: germline.

Labcorp Genetics (formerly Invitae), Labcorp
Classification: Uncertain significance. Last evaluated: 2022-09-12. Review status: criteria provided, single submitter. Criteria: Invitae Variant Classification Sherloc (09022015). Collection method: clinical testing. Allele origin: germline.
Comment: In summary, the available evidence is currently insufficient to determine the role of this variant in disease. Therefore, it has been classified as a Variant of Uncertain Significance. Algorithms developed to predict the effect of missense changes on protein structure and function (SIFT, PolyPhen-2, Align-GVGD) all suggest that this variant is likely to be tolerated. This variant has not been reported in the literature in individuals affected with MACF1-related conditions. This variant is not present in population databases (gnomAD no frequency). This sequence change replaces valine, which is neutral and non-polar, with leucine, which is neutral and non-polar, at codon 246 of the MACF1 protein (p.Val246Leu).

NM_001394062.1(MACF1):c.721G>T (p.Val241Leu)

Gene: MACF1 (microtubule actin crosslinking factor 1; plus strand). Cytogenetic location: 1p34.3.
Variant type: single nucleotide variant.
Coding change: c.721G>T on transcript NM_001394062.1 (MANE Select); coding-DNA position 721, G replaced by T.
Protein change: p.Val241Leu; replaces valine 241 with leucine.
Molecular consequence: missense variant.
Genome position (GRCh38, 1-based): chr1:39,283,214, G>T. VCF-style: chr1-39283214-G-T. GRCh37 (hg19) VCF-style: chr1-39748886-G-T.
Other names: c.736G>T, p.Val246Leu (NM_012090.5); c.736G>T (NM_012090.4); short protein forms V241L, V246L.
Identifiers: ClinVar variation 2090291 (VCV002090291.5), dbSNP rs1645586504, ClinGen allele CA339750989.